The following is an entry in ClinVar:

ClinVar aggregate classification (germline): Conflicting classifications of pathogenicity. Review status: criteria provided, conflicting classifications (1 of 4 stars). 2 submissions from 2 submitters: Likely pathogenic (1); Uncertain significance (1). Last evaluated 2025-11-20.

Conditions:
Hereditary cancer-predisposing syndrome. Also called: Tumor predisposition; Hereditary Cancer Syndrome; Hereditary neoplastic syndrome; Neoplastic Syndromes, Hereditary. Identifiers: Orphanet 140162, MedGen C0027672, MeSH D009386, MONDO:0015356.
Rhabdoid tumor predisposition syndrome 2 (RTPS2). Identifiers: Orphanet 231108, Orphanet 69077, MedGen C2750074, MONDO:0013224, OMIM 613325.

Submissions (2):

Ambry Genetics
Classification: Uncertain significance for Hereditary cancer-predisposing syndrome. Last evaluated: 2025-11-20. Review status: criteria provided, single submitter. Criteria: Ambry Variant Classification Scheme 2023. Collection method: clinical testing. Allele origin: germline.
Comment: The c.3874-2A>G intronic variant results from an A to G substitution two nucleotides upstream from coding exon 27 in the SMARCA4 gene. Alterations that disrupt the canonical splice site are expected to result in aberrant splicing. This nucleotide position is highly conserved in available vertebrate species. In silico splice site analysis predicts that this alteration will weaken the native splice acceptor site and may result in the creation or strengthening of a novel splice acceptor site, however, a resulting transcript is predicted to be in-frame and is not expected to trigger nonsense-mediated mRNA decay. In addition, direct evidence is insufficient at this time (Ambry internal data). Based on the available evidence, the clinical significance of this variant remains unclear.

Labcorp Genetics (formerly Invitae), Labcorp
Classification: Likely pathogenic for Rhabdoid tumor predisposition syndrome 2. Last evaluated: 2025-11-17. Review status: criteria provided, single submitter. Criteria: Invitae Variant Classification Sherloc (09022015). Collection method: clinical testing. Allele origin: germline.
Comment: This sequence change affects an acceptor splice site in intron 27 of the SMARCA4 gene. It is expected to disrupt RNA splicing. Variants that disrupt the donor or acceptor splice site typically lead to a loss of protein function (PMID: 16199547), and loss-of-function variants in SMARCA4 are known to be pathogenic (PMID: 24658001, 24658002). This variant is not present in population databases (gnomAD no frequency). This variant has not been reported in the literature in individuals affected with SMARCA4-related conditions. Algorithms developed to predict the effect of sequence changes on RNA splicing suggest that this variant may disrupt the consensus splice site. In summary, the currently available evidence indicates that the variant is pathogenic, but additional data are needed to prove that conclusively. Therefore, this variant has been classified as Likely Pathogenic.

Literature cited by the submitters: PubMed 16199547 (cited by Labcorp Genetics (formerly Invitae), Labcorp); PubMed 24658001 (cited by Labcorp Genetics (formerly Invitae), Labcorp); PubMed 24658002 (cited by Labcorp Genetics (formerly Invitae), Labcorp).

NM_003072.5(SMARCA4):c.3874-2A>G

Gene: SMARCA4 (SWI/SNF related BAF chromatin remodeling complex subunit ATPase 4; plus strand). Cytogenetic location: 19p13.2.
Variant type: single nucleotide variant.
Coding change: c.3874-2A>G on transcript NM_003072.5 (MANE Select); the canonical splice acceptor site of the intron before coding-DNA position 3874, A replaced by G.
Molecular consequence: splice acceptor variant.
Genome position (GRCh38, 1-based): chr19:11,034,121, A>G. VCF-style: chr19-11034121-A-G. GRCh37 (hg19) VCF-style: chr19-11144797-A-G.
Other names: c.3874-2A>G (NM_001128844.3, NM_001128849.3, NM_001387283.1); c.3775-2A>G (NM_001128847.4, NM_001411150.1, NM_001374457.1 and 3 more transcripts).
Identifiers: ClinVar variation 4549614 (VCV004549614.2).
Genomic context (GRCh38, chr19:11,034,121, plus strand): 5'-GAGCTCGGCCGCCGCCCACCCCGGCCCCTCCTCAGCGGCACTGACAGTTTGCAATCTTAT[A>G]GGAGGAAGACGAGGTGCCCGACGACGAGACCGTCAACCAGATGATCGCCCGGCACGAGGA-3'